The following is an entry in ClinVar:

ClinVar aggregate classification (germline): Uncertain significance. Review status: criteria provided, multiple submitters, no conflicts (2 of 4 stars). 2 submissions from 2 submitters: Uncertain significance (2). Last evaluated 2025-10-03.

Conditions:
Cole-Carpenter syndrome 1 (CLCRP1). Also called: BONE FRAGILITY WITH CRANIOSYNOSTOSIS, OCULAR PROPTOSIS, HYDROCEPHALUS, AND DISTINCTIVE FACIAL FEATURES. Identifiers: Orphanet 2050, MedGen C4317154, MONDO:0007204, OMIM 112240.

Submissions (2):

Labcorp Genetics (formerly Invitae), Labcorp
Classification: Uncertain significance. Last evaluated: 2025-10-03. Review status: criteria provided, single submitter. Criteria: Invitae Variant Classification Sherloc (09022015). Collection method: clinical testing. Allele origin: germline.
Comment: This sequence change replaces threonine, which is neutral and polar, with methionine, which is neutral and non-polar, at codon 110 of the P4HB protein (p.Thr110Met). This variant is present in population databases (rs760119422, gnomAD 0.002%). This variant has not been reported in the literature in individuals affected with P4HB-related conditions. ClinVar contains an entry for this variant (Variation ID: 3620879). Invitae Evidence Modeling of protein sequence and biophysical properties (such as structural, functional, and spatial information, amino acid conservation, physicochemical variation, residue mobility, and thermodynamic stability) indicates that this missense variant is not expected to disrupt P4HB protein function with a negative predictive value of 80%. In summary, the available evidence is currently insufficient to determine the role of this variant in disease. Therefore, it has been classified as a Variant of Uncertain Significance.

ARUP Laboratories, Molecular Genetics and Genomics, ARUP Laboratories
Classification: Uncertain significance for Cole-Carpenter syndrome 1. Last evaluated: 2023-12-04. Review status: criteria provided, single submitter. Criteria: ARUP Molecular Germline Variant Investigation Process 2024. Collection method: clinical testing. Allele origin: germline.
Comment: The P4HB c.329C>T; p.Thr110Met variant (rs760119422), to our knowledge, is not reported in the medical literature or gene specific databases. This variant is only observed on two alleles in the Genome Aggregation Database (v2.1.1), indicating it is not a common polymorphism. Computational analyses predict that this variant is neutral (REVEL: 0.122). However, given the lack of clinical and functional data, the significance of this variant is uncertain at this time.

NM_000918.4(P4HB):c.329C>T (p.Thr110Met)

Gene: P4HB (prolyl 4-hydroxylase subunit beta; minus strand). Cytogenetic location: 17q25.3.
Variant type: single nucleotide variant.
Coding change: c.329C>T on transcript NM_000918.4 (MANE Select); coding-DNA position 329, C replaced by T.
Protein change: p.Thr110Met; replaces threonine 110 with methionine.
Molecular consequence: missense variant.
Genome position (GRCh38, 1-based): chr17:81,859,204, G>A on the plus strand (C>T on the coding strand, the complement: P4HB is on the minus strand). VCF-style: chr17-81859204-G-A. GRCh37 (hg19) VCF-style: chr17-79817080-G-A.
Other names: short protein forms T110M.
Identifiers: ClinVar variation 3620879 (VCV003620879.3).